The following is an entry in ClinVar:

NM_198578.4(LRRK2):c.3791T>C (p.Ile1264Thr)

Gene: LRRK2 (leucine rich repeat kinase 2; plus strand). Cytogenetic location: 12q12.
Variant type: single nucleotide variant.
Coding change: c.3791T>C on transcript NM_198578.4 (MANE Select); coding-DNA position 3791, T replaced by C.
Protein change: p.Ile1264Thr; replaces isoleucine 1264 with threonine.
Molecular consequence: missense variant.
Genome position (GRCh38, 1-based): chr12:40,305,798, T>C. VCF-style: chr12-40305798-T-C. GRCh37 (hg19) VCF-style: chr12-40699600-T-C.
Other names: short protein forms I1264T.
Identifiers: ClinVar variation 3229628 (VCV003229628.1), dbSNP rs2499794225, ClinGen allele CA384417054.

ClinVar aggregate classification (germline): Uncertain significance (1 of 4 stars; one submission).

Conditions:
Inborn genetic diseases. Identifiers: MedGen C0950123, MeSH D030342.

Allele frequency attached by ClinVar (database versions not stated): gnomAD exomes below 0.00001.
gnomAD v4.1: 2 of 1,613,568 alleles (0.00012%); highest among the groups gnomAD compares: South Asian, 0.0011%; no homozygotes.

Submission:

Ambry Genetics
Classification: Uncertain significance for Inborn genetic diseases. Last evaluated: 2023-11-13. Review status: criteria provided, single submitter. Criteria: Ambry Variant Classification Scheme 2023. Collection method: clinical testing. Allele origin: germline.
Comment: The p.I1264T variant (also known as c.3791T>C), located in coding exon 28 of the LRRK2 gene, results from a T to C substitution at nucleotide position 3791. The isoleucine at codon 1264 is replaced by threonine, an amino acid with similar properties. This amino acid position is conserved. In addition, the in silico prediction for this alteration is inconclusive. Since supporting evidence is limited at this time, the clinical significance of this alteration remains unclear.